The following is an entry in ClinVar:

ClinVar aggregate classification (germline): Uncertain significance (1 of 4 stars; one submission).

Conditions:
IFT74-related disorder. Also called: IFT74-related condition; IFT74-Related Disorders.

Submission:

PreventionGenetics, part of Exact Sciences
Classification: Uncertain significance for IFT74-related condition. Last evaluated: 2024-10-22. Review status: criteria provided, single submitter. Criteria: ACMG Guidelines, 2015. Collection method: clinical testing. Allele origin: germline.
Comment: The IFT74 c.1492A>T variant is predicted to result in the amino acid substitution p.Ile498Leu. To our knowledge, this variant has not been reported in the literature or in a large population database (gnomAD), indicating this variant is rare. At this time, the clinical significance of this variant is uncertain due to the absence of conclusive functional and genetic evidence.

NM_025103.4(IFT74):c.1492A>T (p.Ile498Leu)

Gene: IFT74 (intraflagellar transport 74; plus strand). Cytogenetic location: 9p21.2.
Variant type: single nucleotide variant.
Coding change: c.1492A>T on transcript NM_025103.4 (MANE Select); coding-DNA position 1492, A replaced by T.
Protein change: p.Ile498Leu; replaces isoleucine 498 with leucine.
Molecular consequence: missense variant.
Genome position (GRCh38, 1-based): chr9:27,055,767, A>T. VCF-style: chr9-27055767-A-T. GRCh37 (hg19) VCF-style: chr9-27055765-A-T.
Other names: c.1492A>T, p.Ile498Leu (NM_001099222.3, NM_001099223.3, NM_001349928.2); short protein forms I498L.
Identifiers: ClinVar variation 4998797 (VCV004998797.1).
Genomic context (GRCh38, chr9:27,055,767, plus strand): 5'-ACAACTGATCTGGAGATATATAATGATTTGCCAGCTTTAAAATCATCAGGTGAAGAAAAG[A>T]TAAAGGTAAATGTTAACCAAGTCTTACAGAATTACAATTCAGATTGTTTTTTTCTTGATC-3'
Protein context (NP_079379.2, residues 488-508): PALKSSGEEK[Ile498Leu]KKLHQERMIL